The following is an entry in ClinVar:

ClinVar aggregate classification (germline): Uncertain significance (1 of 4 stars; one submission).

Conditions:
COG5-congenital disorder of glycosylation. Also called: CDG IIi; CONGENITAL DISORDER OF GLYCOSYLATION, TYPE IIi; COG5-CDG. Identifiers: Orphanet 263487, MedGen C3150876, MONDO:0013325, OMIM 613612.

Allele frequency attached by ClinVar (database versions not stated): TOPMed 0.00001; ExAC 0.00002; gnomAD exomes 0.00002.
gnomAD v4.1: 30 of 1,613,296 alleles (0.0019%); highest among the groups gnomAD compares: African/African-American, 0.004%; no homozygotes.

Submission:

Labcorp Genetics (formerly Invitae), Labcorp
Classification: Uncertain significance for COG5-congenital disorder of glycosylation. Last evaluated: 2022-08-09. Review status: criteria provided, single submitter. Criteria: Invitae Variant Classification Sherloc (09022015). Collection method: clinical testing. Allele origin: germline.
Comment: This sequence change replaces proline, which is neutral and non-polar, with serine, which is neutral and polar, at codon 27 of the COG5 protein (p.Pro27Ser). This variant is present in population databases (rs772850481, gnomAD 0.01%). This variant has not been reported in the literature in individuals affected with COG5-related conditions. ClinVar contains an entry for this variant (Variation ID: 1503404). Algorithms developed to predict the effect of missense changes on protein structure and function output the following: SIFT: "Tolerated"; PolyPhen-2: "Benign"; Align-GVGD: "Class C0". The serine amino acid residue is found in multiple mammalian species, which suggests that this missense change does not adversely affect protein function. In summary, the available evidence is currently insufficient to determine the role of this variant in disease. Therefore, it has been classified as a Variant of Uncertain Significance.

NM_006348.5(COG5):c.-15C>T

Gene: COG5 (component of oligomeric golgi complex 5; minus strand). Cytogenetic location: 7q22.3.
Variant type: single nucleotide variant.
Coding change: c.-15C>T on transcript NM_006348.5 (MANE Select); 15 bases upstream of the start codon, C replaced by T.
Molecular consequence: 5 prime UTR variant.
Genome position (GRCh38, 1-based): chr7:107,563,911, G>A on the plus strand (C>T on the coding strand, the complement: COG5 is on the minus strand). VCF-style: chr7-107563911-G-A. GRCh37 (hg19) VCF-style: chr7-107204356-G-A.
Other names: c.-15C>T (NM_001161520.2, NM_001379511.1, NM_001379512.1 and 5 more transcripts).
Identifiers: ClinVar variation 1503404 (VCV001503404.5), dbSNP rs772850481, ClinGen allele CA4431604.